The following is an entry in ClinVar:

NM_004656.4(BAP1):c.480T>G (p.Ser160Arg)

Gene: BAP1 (BRCA1 associated deubiquitinase 1; minus strand). Cytogenetic location: 3p21.1.
Variant type: single nucleotide variant.
Coding change: c.480T>G on transcript NM_004656.4 (MANE Select); coding-DNA position 480, T replaced by G.
Protein change: p.Ser160Arg; replaces serine 160 with arginine.
Molecular consequence: missense variant.
Genome position (GRCh38, 1-based): chr3:52,407,274, A>C on the plus strand (T>G on the coding strand, the complement: BAP1 is on the minus strand). VCF-style: chr3-52407274-A-C. GRCh37 (hg19) VCF-style: chr3-52441290-A-C.
Other names: c.480T>G, p.Ser160Arg (NM_001410772.1); short protein forms S160R.
Identifiers: ClinVar variation 4620634 (VCV004620634.1).

ClinVar aggregate classification (germline): Uncertain significance (1 of 4 stars; one submission).

Conditions:
Hereditary cancer-predisposing syndrome. Also called: Neoplastic Syndromes, Hereditary; Tumor predisposition; Hereditary Cancer Syndrome; Hereditary neoplastic syndrome. Identifiers: Orphanet 140162, MedGen C0027672, MeSH D009386, MONDO:0015356.

Submission:

Ambry Genetics
Classification: Uncertain significance for Hereditary cancer-predisposing syndrome. Last evaluated: 2025-10-27. Review status: criteria provided, single submitter. Criteria: Ambry Variant Classification Scheme 2023. Collection method: clinical testing. Allele origin: germline.
Comment: The p.S160R variant (also known as c.480T>G), located in coding exon 7 of the BAP1 gene, results from a T to G substitution at nucleotide position 480. The serine at codon 160 is replaced by arginine, an amino acid with dissimilar properties. This amino acid position is conserved. In addition, the in silico prediction for this alteration is inconclusive. Based on the available evidence, the clinical significance of this variant remains unclear.